The following is an entry in ClinVar:

NM_022124.6(CDH23):c.2092C>A (p.Leu698Met)

Gene: CDH23 (cadherin related 23; plus strand). Cytogenetic location: 10q22.1.
Variant type: single nucleotide variant.
Coding change: c.2092C>A on transcript NM_022124.6 (MANE Select); coding-DNA position 2092, C replaced by A.
Protein change: p.Leu698Met; replaces leucine 698 with methionine.
Molecular consequence: missense variant.
Genome position (GRCh38, 1-based): chr10:71,690,500, C>A. VCF-style: chr10-71690500-C-A. GRCh37 (hg19) VCF-style: chr10-73450257-C-A.
Other names: c.2092C>A, p.Leu698Met (NM_001171930.2, NM_001171931.2); short protein forms L698M.
Identifiers: ClinVar variation 1053345 (VCV001053345.6), dbSNP rs1865146772, ClinGen allele CA377134223.
Genomic context (GRCh38, chr10:71,690,500, plus strand): 5'-CCCTGCCCCCACCTTTTTCCCCCTGAAGGAGCCACGGTGCTGTTCCTGAATGCCACAGAC[C>A]TGGACCGCTCCCGGGAGTACGGCCAGGAGTCCATCATCTACTCCTTGGAAGGCTCCACCC-3'
Protein context (NP_071407.4, residues 688-708): ATVLFLNATD[Leu698Met]DRSREYGQES

ClinVar aggregate classification (germline): Uncertain significance (1 of 4 stars; one submission).

Allele frequency attached by ClinVar (database versions not stated): gnomAD 0.00001.
gnomAD v4.1: 1 of 1,610,554 alleles (0.000062%); highest among the groups gnomAD compares: African/African-American, 0.0013%; no homozygotes.

Submission:

Labcorp Genetics (formerly Invitae), Labcorp
Classification: Uncertain significance. Last evaluated: 2022-07-19. Review status: criteria provided, single submitter. Criteria: Invitae Variant Classification Sherloc (09022015). Collection method: clinical testing. Allele origin: germline.
Comment: This sequence change replaces leucine, which is neutral and non-polar, with methionine, which is neutral and non-polar, at codon 698 of the CDH23 protein (p.Leu698Met). This variant is not present in population databases (gnomAD no frequency). This variant has not been reported in the literature in individuals affected with CDH23-related conditions. ClinVar contains an entry for this variant (Variation ID: 1053345). Algorithms developed to predict the effect of missense changes on protein structure and function are either unavailable or do not agree on the potential impact of this missense change (SIFT: "Deleterious"; PolyPhen-2: "Not Available"; Align-GVGD: "Class C0"). In summary, the available evidence is currently insufficient to determine the role of this variant in disease. Therefore, it has been classified as a Variant of Uncertain Significance.